The following is an entry in ClinVar:

NM_145046.5(CALR3):c.1069G>A (p.Glu357Lys)

Gene: CALR3 (calreticulin 3; minus strand). Cytogenetic location: 19p13.11.
Variant type: single nucleotide variant.
Coding change: c.1069G>A on transcript NM_145046.5 (MANE Select); coding-DNA position 1069, G replaced by A.
Protein change: p.Glu357Lys; replaces glutamic acid 357 with lysine.
Molecular consequence: missense variant.
Genome position (GRCh38, 1-based): chr19:16,479,217, C>T on the plus strand (G>A on the coding strand, the complement: CALR3 is on the minus strand). VCF-style: chr19-16479217-C-T. GRCh37 (hg19) VCF-style: chr19-16590028-C-T.
Other names: c.1069G>A (NM_145046.3); short protein forms E357K.
Identifiers: ClinVar variation 410621 (VCV000410621.12), dbSNP rs777429499, ClinGen allele CA9278178.

ClinVar aggregate classification (germline): Uncertain significance. Review status: criteria provided, multiple submitters, no conflicts (2 of 4 stars). 3 submissions from 3 submitters: Uncertain significance (3). Last evaluated 2025-01-25.

Conditions:
Hypertrophic cardiomyopathy 19. Also called: Familial hypertrophic cardiomyopathy 19. Identifiers: MedGen CN077603, MONDO:0013476.

Allele frequency attached by ClinVar (database versions not stated): gnomAD exomes 0.00002 and 0.00006; ExAC 0.00006; gnomAD 0.00009 and 0.00010; TOPMed 0.00022.

Submissions (3):

Ambry Genetics
Classification: Uncertain significance. Last evaluated: 2025-01-25. Review status: criteria provided, single submitter. Criteria: Ambry Variant Classification Scheme 2023. Collection method: clinical testing. Allele origin: germline.

Labcorp Genetics (formerly Invitae), Labcorp
Classification: Uncertain significance for Hypertrophic cardiomyopathy 19. Last evaluated: 2024-07-14. Review status: criteria provided, single submitter. Criteria: Invitae Variant Classification Sherloc (09022015). Collection method: clinical testing. Allele origin: germline.
Comment: This sequence change replaces glutamic acid, which is acidic and polar, with lysine, which is basic and polar, at codon 357 of the CALR3 protein (p.Glu357Lys). This variant is present in population databases (rs777429499, gnomAD 0.03%). This variant has not been reported in the literature in individuals affected with CALR3-related conditions. ClinVar contains an entry for this variant (Variation ID: 410621). Advanced modeling of protein sequence and biophysical properties (such as structural, functional, and spatial information, amino acid conservation, physicochemical variation, residue mobility, and thermodynamic stability) performed at Invitae indicates that this missense variant is not expected to disrupt CALR3 protein function with a negative predictive value of 80%. In summary, the available evidence is currently insufficient to determine the role of this variant in disease. Therefore, it has been classified as a Variant of Uncertain Significance.

Fulgent Genetics
Classification: Uncertain significance for Hypertrophic cardiomyopathy 1. Last evaluated: 2018-10-31. Review status: criteria provided, single submitter. Criteria: ACMG Guidelines, 2015. Collection method: clinical testing. Allele origin: unknown.